The following is an entry in ClinVar:

NM_001394372.1(BICRA):c.106G>A (p.Asp36Asn)

Gene: BICRA (BRD4 interacting chromatin remodeling complex associated protein; plus strand). Cytogenetic location: 19q13.33.
Variant type: single nucleotide variant.
Coding change: c.106G>A on transcript NM_001394372.1 (MANE Select); coding-DNA position 106, G replaced by A.
Protein change: p.Asp36Asn; replaces aspartic acid 36 with asparagine.
Molecular consequence: missense variant.
Genome position (GRCh38, 1-based): chr19:47,675,872, G>A. VCF-style: chr19-47675872-G-A. GRCh37 (hg19) VCF-style: chr19-48179129-G-A.
Other names: c.106G>A, p.Asp36Asn (NM_015711.3); short protein forms D36N.
Identifiers: ClinVar variation 3342080 (VCV003342080.16).

ClinVar aggregate classification (germline): Uncertain significance (1 of 4 stars; one submission).

Submission:

CeGaT Center for Human Genetics Tuebingen
Classification: Uncertain significance. Last evaluated: 2024-08-01. Review status: criteria provided, single submitter. Criteria: CeGaT Center For Human Genetics Tuebingen Variant Classification Criteria Version 2. Collection method: clinical testing. Allele origin: germline. Affected: yes. Observed: 1 variant allele.
Comment: BICRA: PM2